The following is an entry in ClinVar:

ClinVar aggregate classification (germline): Uncertain significance (1 of 4 stars; one submission).

Conditions:
Congenital multicore myopathy with external ophthalmoplegia (CMYO1B). Also called: MULTIMINICORE DISEASE WITH EXTERNAL OPHTHALMOPLEGIA; MULTICORE MYOPATHY; Congenital myopathy 1B, autosomal recessive; Minicore myopathy; Minicore myopathy with external ophthalmoplegia. Identifiers: Orphanet 598, Orphanet 98905, MedGen C1850674, MONDO:0009712, OMIM 255320, HP:0003789.

Submission:

3billion
Classification: Uncertain significance for Congenital multicore myopathy with external ophthalmoplegia. Last evaluated: 2025-07-07. Review status: criteria provided, single submitter. Criteria: ACMG Guidelines, 2015. Collection method: clinical testing. Allele origin: germline. Affected: yes.
Comment: The variant is not observed in the gnomAD v4.1.0 dataset. Predicted Consequence/Location: Missense variant In silico tool predictions suggest damaging effect of the variant on gene or gene product [REVEL: 0.62 (>=0.6, sensitivity 0.68 and specificity 0.92); 3Cnet: 0.99 (> 0.75, sensitivity 0.96 and precision 0.92)]. Different missense changes at the same codon have been reported as of uncertain significance (ClinVar ID: VCV002774214, VCV003071504). Therefore, this variant is classified as VUS according to the recommendation of ACMG/AMP guideline.

NM_000540.3(RYR1):c.5177G>T (p.Arg1726Leu)

Gene: RYR1 (ryanodine receptor 1; plus strand). Cytogenetic location: 19q13.2.
Variant type: single nucleotide variant.
Coding change: c.5177G>T on transcript NM_000540.3 (MANE Select); coding-DNA position 5177, G replaced by T.
Protein change: p.Arg1726Leu; replaces arginine 1726 with leucine.
Molecular consequence: missense variant.
Genome position (GRCh38, 1-based): chr19:38,485,832, G>T. VCF-style: chr19-38485832-G-T. GRCh37 (hg19) VCF-style: chr19-38976472-G-T.
Other names: c.5177G>T, p.Arg1726Leu (NM_001042723.2); short protein forms R1726L.
Identifiers: ClinVar variation 4855744 (VCV004855744.1).